The following is an entry in ClinVar:

NM_002693.3(POLG):c.3516C>G (p.Asp1172Glu)

Gene: POLG (DNA polymerase gamma, catalytic subunit; minus strand). Cytogenetic location: 15q26.1.
Variant type: single nucleotide variant.
Coding change: c.3516C>G on transcript NM_002693.3 (MANE Select); coding-DNA position 3516, C replaced by G.
Protein change: p.Asp1172Glu; replaces aspartic acid 1172 with glutamic acid.
Molecular consequence: missense variant.
Genome position (GRCh38, 1-based): chr15:89,317,503, G>C on the plus strand (C>G on the coding strand, the complement: POLG is on the minus strand). VCF-style: chr15-89317503-G-C. GRCh37 (hg19) VCF-style: chr15-89860734-G-C.
Other names: p.D1172E:GAC>GAG; c.3516C>G, p.Asp1172Glu (NM_001126131.2); short protein forms D1172E.
Identifiers: ClinVar variation 206569 (VCV000206569.6), dbSNP rs766196697, ClinGen allele CA316782.

ClinVar aggregate classification (germline): Conflicting classifications of pathogenicity. Review status: criteria provided, conflicting classifications (1 of 4 stars). 4 submissions from 4 submitters: Uncertain significance (3); Likely benign (1). Last evaluated 2025-06-22.

Conditions:
POLG-related disorder. Also called: POLG-related condition; POLG-Related Disorders; POLG-Related Spectrum Disorders. Identifiers: MedGen C4763519.
Progressive sclerosing poliodystrophy (MTDPS4A). Also called: Mitochondrial DNA depletion syndrome 4A (Alpers type); Alpers Syndrome; NEURONAL DEGENERATION OF CHILDHOOD WITH LIVER DISEASE, PROGRESSIVE; ALPERS PROGRESSIVE INFANTILE POLIODYSTROPHY; ALPERS DIFFUSE DEGENERATION OF CEREBRAL GRAY MATTER WITH HEPATIC CIRRHOSIS; Alpers-Huttenlocher Syndrome. Identifiers: Orphanet 726, MedGen C0205710, MONDO:0008758, OMIM 203700.

Allele frequency attached by ClinVar (database versions not stated): gnomAD exomes 0.00001 and 0.00002; ExAC 0.00003.
gnomAD v4.1: 14 of 1,614,100 alleles (0.00087%); highest among the groups gnomAD compares: South Asian, 0.015%; no homozygotes.

Submissions (4):

Labcorp Genetics (formerly Invitae), Labcorp
Classification: Uncertain significance for Progressive sclerosing poliodystrophy. Last evaluated: 2025-06-22. Review status: criteria provided, single submitter. Criteria: Invitae Variant Classification Sherloc (09022015). Collection method: clinical testing. Allele origin: germline.
Comment: This sequence change replaces aspartic acid, which is acidic and polar, with glutamic acid, which is acidic and polar, at codon 1172 of the POLG protein (p.Asp1172Glu). This variant is present in population databases (rs766196697, gnomAD 0.02%). This variant has not been reported in the literature in individuals affected with POLG-related conditions. ClinVar contains an entry for this variant (Variation ID: 206569). Invitae Evidence Modeling of protein sequence and biophysical properties (such as structural, functional, and spatial information, amino acid conservation, physicochemical variation, residue mobility, and thermodynamic stability) has been performed for this missense variant. However, the output from this modeling did not meet the statistical confidence thresholds required to predict the impact of this variant on POLG protein function. In summary, the available evidence is currently insufficient to determine the role of this variant in disease. Therefore, it has been classified as a Variant of Uncertain Significance.

PreventionGenetics, part of Exact Sciences
Classification: Uncertain significance for POLG-related condition. Last evaluated: 2025-05-30. Review status: criteria provided, single submitter. Criteria: ACMG Guidelines, 2015. Collection method: clinical testing. Allele origin: germline.
Comment: The POLG c.3516C>G variant is predicted to result in the amino acid substitution p.Asp1172Glu. To our knowledge, this variant has not been reported in the literature. This variant is reported in 0.020% of alleles in individuals of South Asian descent in gnomAD and has conflicting interpretations regarding its pathogenicity in ClinVar, ranging from likely benign to uncertain. At this time, the clinical significance of this variant is uncertain due to the absence of conclusive functional and genetic evidence.

GeneDx
Classification: Uncertain significance. Last evaluated: 2020-09-11. Review status: criteria provided, single submitter. Criteria: GeneDx Variant Classification Process June 2021. Collection method: clinical testing. Allele origin: germline. Affected: yes.
Comment: In silico analysis supports that this missense variant has a deleterious effect on protein structure/function; Has not been previously published as pathogenic or benign to our knowledge

Wong Mito Lab, Molecular and Human Genetics, Baylor College of Medicine
Classification: Likely benign for Progressive sclerosing poliodystrophy. Last evaluated: 2018-10-01. Review status: criteria provided, single submitter. Criteria: ACMG Guidelines, 2015. Collection method: clinical testing. Allele origin: germline.
Comment: The NM_002693.2:c.3516C>G (NP_002684.1:p.Asp1172Glu) [GRCH38: NC_000015.10:g.89317503G>C] variant in POLG gene is interpretated to be a Likely Benign based on ACMG guidelines (PMID: 25741868). This variant meets the following evidence codes reported in the ACMG-guideline. BP2:The variant is observed in trans/cis with a dominant variant. BP4:Computational evidence/predictors indicate no impact on the POLG structure, function, or protein-protein interaction. Based on the evidence criteria codes applied, the variant is suggested to be Likely Benign.